The following is an entry in ClinVar:

NM_001572.5(IRF7):c.251A>C (p.Glu84Ala)

Gene: IRF7 (interferon regulatory factor 7; minus strand). Cytogenetic location: 11p15.5.
Variant type: single nucleotide variant.
Coding change: c.251A>C on transcript NM_001572.5 (MANE Select); coding-DNA position 251, A replaced by C.
Protein change: p.Glu84Ala; replaces glutamic acid 84 with alanine.
Molecular consequence: missense variant.
Genome position (GRCh38, 1-based): chr11:614,940, T>G on the plus strand (A>C on the coding strand, the complement: IRF7 is on the minus strand). VCF-style: chr11-614940-T-G. GRCh37 (hg19) VCF-style: chr11-614940-T-G.
Other names: c.251A>C, p.Glu84Ala (NM_004029.4); c.290A>C, p.Glu97Ala (NM_004031.4); short protein forms E97A, E84A.
Identifiers: ClinVar variation 938793 (VCV000938793.9), dbSNP rs777045773, ClinGen allele CA5784024.

ClinVar aggregate classification (germline): Uncertain significance (1 of 4 stars; one submission).

Conditions:
Immunodeficiency 39 (IMD39). Identifiers: Orphanet 574918, MedGen C4225358, MONDO:0014597, OMIM 616345.

Allele frequency attached by ClinVar (database versions not stated): TOPMed 0.00004; gnomAD exomes 0.00005 and 0.00010; ExAC 0.00008; gnomAD 0.00009.
gnomAD v4.1: 84 of 1,576,410 alleles (0.0053%); highest among the groups gnomAD compares: African/African-American, 0.0013%; no homozygotes.

Submission:

Labcorp Genetics (formerly Invitae), Labcorp
Classification: Uncertain significance for Immunodeficiency 39. Last evaluated: 2026-01-04. Review status: criteria provided, single submitter. Criteria: Invitae Variant Classification Sherloc (09022015). Collection method: clinical testing. Allele origin: germline.
Comment: This sequence change replaces glutamic acid, which is acidic and polar, with alanine, which is neutral and non-polar, at codon 97 of the IRF7 protein (p.Glu97Ala). The frequency data for this variant in the population databases is considered unreliable, as metrics indicate poor data quality at this position in the gnomAD database. This variant has not been reported in the literature in individuals affected with IRF7-related conditions. ClinVar contains an entry for this variant (Variation ID: 938793). An algorithm developed to predict the effect of missense changes on protein structure and function (PolyPhen-2) suggests that this variant is likely to be disruptive. In summary, the available evidence is currently insufficient to determine the role of this variant in disease. Therefore, it has been classified as a Variant of Uncertain Significance.